The following is an entry in ClinVar:

ClinVar aggregate classification (germline): Likely benign (1 of 4 stars; one submission).

Allele frequency attached by ClinVar (database versions not stated): gnomAD 0.00001; TOPMed 0.00001.

Submission:

CeGaT Center for Human Genetics Tuebingen
Classification: Likely benign. Last evaluated: 2026-05-01. Review status: criteria provided, single submitter. Criteria: CeGaT Center For Human Genetics Tuebingen Variant Classification Criteria Version 2. Collection method: clinical testing. Allele origin: germline. Affected: yes. Observed: 9 variant alleles.
Comment: CAMTA1: BP4, BP7

NM_015215.4(CAMTA1):c.2136T>C (p.Ala712=)

Gene: CAMTA1 (calmodulin binding transcription activator 1; plus strand). Cytogenetic location: 1p36.23.
Variant type: single nucleotide variant.
Coding change: c.2136T>C on transcript NM_015215.4 (MANE Select); coding-DNA position 2136, T replaced by C.
Protein change: p.Ala712=; no amino-acid change (alanine 712 retained).
Molecular consequence: synonymous variant.
Genome position (GRCh38, 1-based): chr1:7,664,683, T>C. VCF-style: chr1-7664683-T-C. GRCh37 (hg19) VCF-style: chr1-7724743-T-C.
Other names: c.2046T>C, p.Ala682= (NM_001349608.2, NM_001349612.2); c.2136T>C, p.Ala712= (NM_001349609.2, NM_001349610.2, NM_001410737.1); c.2064T>C, p.Ala688= (NM_001410738.1).
Identifiers: ClinVar variation 2498388 (VCV002498388.28), dbSNP rs907865995, ClinGen allele CA17245221.